The following is an entry in ClinVar:

NM_001211.6(BUB1B):c.323C>T (p.Ala108Val)

Gene: BUB1B (BUB1 mitotic checkpoint serine/threonine kinase B; plus strand). Cytogenetic location: 15q15.1.
Variant type: single nucleotide variant.
Coding change: c.323C>T on transcript NM_001211.6 (MANE Select); coding-DNA position 323, C replaced by T.
Protein change: p.Ala108Val; replaces alanine 108 with valine.
Molecular consequence: missense variant.
Genome position (GRCh38, 1-based): chr15:40,170,620, C>T. VCF-style: chr15-40170620-C-T. GRCh37 (hg19) VCF-style: chr15-40462821-C-T.
Other names: short protein forms A108V.
Identifiers: ClinVar variation 3483229 (VCV003483229.1).

ClinVar aggregate classification (germline): Uncertain significance (1 of 4 stars; one submission).

Conditions:
Inborn genetic diseases. Identifiers: MedGen C0950123, MeSH D030342.

gnomAD v4.1: 2 of 1,613,068 alleles (0.00012%); highest among the groups gnomAD compares: Non-Finnish European, 0.00017%; no homozygotes.

Submission:

Ambry Genetics
Classification: Uncertain significance for Inborn genetic diseases. Last evaluated: 2024-11-02. Review status: criteria provided, single submitter. Criteria: Ambry Variant Classification Scheme 2023. Collection method: clinical testing. Allele origin: germline.
Comment: The p.A108V variant (also known as c.323C>T), located in coding exon 4 of the BUB1B gene, results from a C to T substitution at nucleotide position 323. The alanine at codon 108 is replaced by valine, an amino acid with similar properties. This amino acid position is conserved. In addition, this alteration is predicted to be tolerated by in silico analysis. Based on the available evidence, the clinical significance of this variant remains unclear.